The following is an entry in ClinVar:

NM_012186.3(FOXE3):c.22G>C (p.Asp8His)

Genes: FOXE3 (forkhead box E3; plus strand), LINC01389 (long independently transcribed non-coding RNA 1389; minus strand). Cytogenetic location: 1p33.
Variant type: single nucleotide variant.
Coding change: c.22G>C on transcript NM_012186.3 (MANE Select); coding-DNA position 22, G replaced by C.
Protein change: p.Asp8His; replaces aspartic acid 8 with histidine.
Molecular consequence: missense variant.
Genome position (GRCh38, 1-based): chr1:47,416,337, G>C. VCF-style: chr1-47416337-G-C. GRCh37 (hg19) VCF-style: chr1-47882009-G-C.
Other names: short protein forms D8H.
Identifiers: ClinVar variation 1450017 (VCV001450017.6), dbSNP rs1646882092, ClinGen allele CA340248874.
Genomic context (GRCh38, chr1:47,416,337, plus strand): 5'-GCGGTCCCGGAGCCGCGCGGGCAGGGGCTGCCGCAGCCGATGGCGGGGCGCAGCGACATG[G>C]ATCCGCCCGCCGCGTTCTCTGGCTTCCCTGCCCTGCCAGCGGTCGCGCCGTCGGGGCCGC-3'
Protein context (NP_036318.1, residues 1-18): MAGRSDM[Asp8His]PPAAFSGFPA

ClinVar aggregate classification (germline): Uncertain significance (1 of 4 stars; one submission).

Conditions:
Anterior segment dysgenesis. Also called: Ocular anterior segment dysgenesis. Identifiers: Orphanet 88632, MedGen C1862839, MONDO:0019503, HP:0007700.
Congenital primary aphakia. Also called: ANTERIOR SEGMENT DYSGENESIS 2; Anterior segment dysgenesis 2, multiple subtypes. Identifiers: Orphanet 83461, MedGen C1853230, MONDO:0012456, OMIM 610256.

Submission:

Labcorp Genetics (formerly Invitae), Labcorp
Classification: Uncertain significance for Anterior segment dysgenesis; Congenital primary aphakia. Last evaluated: 2021-10-04. Review status: criteria provided, single submitter. Criteria: Invitae Variant Classification Sherloc (09022015). Collection method: clinical testing. Allele origin: germline.
Comment: In summary, the available evidence is currently insufficient to determine the role of this variant in disease. Therefore, it has been classified as a Variant of Uncertain Significance. Algorithms developed to predict the effect of missense changes on protein structure and function are either unavailable or do not agree on the potential impact of this missense change (SIFT: "Deleterious"; PolyPhen-2: "Benign"; Align-GVGD: "Class C0"). This variant has not been reported in the literature in individuals affected with FOXE3-related conditions. The frequency data for this variant in the population databases is considered unreliable, as metrics indicate insufficient coverage at this position in the ExAC database. This sequence change replaces aspartic acid with histidine at codon 8 of the FOXE3 protein (p.Asp8His). The aspartic acid residue is moderately conserved and there is a moderate physicochemical difference between aspartic acid and histidine.